The following is an entry in ClinVar:

ClinVar aggregate classification (germline): Conflicting classifications of pathogenicity. Review status: criteria provided, conflicting classifications (1 of 4 stars). 6 submissions from 6 submitters: Uncertain significance (4); Likely benign (2). Last evaluated 2026-01-12.

Conditions:
ZNF469-related disorder. Also called: ZNF469-related condition.
Cardiovascular phenotype. Identifiers: MedGen CN230736.

Allele frequency attached by ClinVar (database versions not stated): ExAC below 0.00001; gnomAD exomes 0.00002; gnomAD 0.00003 and 0.00005; TOPMed 0.00005.
gnomAD v4.1: 53 of 1,536,858 alleles (0.0034%); highest among the groups gnomAD compares: Non-Finnish European, 0.0045%; no homozygotes.

Submissions (6):

PreventionGenetics, part of Exact Sciences
Classification: Uncertain significance for ZNF469-related condition. Last evaluated: 2026-01-12. Review status: criteria provided, single submitter. Criteria: ACMG Guidelines, 2015. Collection method: clinical testing. Allele origin: germline.
Comment: The ZNF469 c.186G>T variant is predicted to result in the amino acid substitution p.Glu62Asp. To our knowledge, this variant has not been reported in the literature. This variant is reported in 0.0046% of alleles in individuals of European (Non-Finnish) descent in gnomAD. At this time, the clinical significance of this variant is uncertain due to the absence of conclusive functional and genetic evidence.

Mayo Clinic Laboratories, Mayo Clinic
Classification: Uncertain significance. Last evaluated: 2025-10-09. Review status: criteria provided, single submitter. Criteria: ACMG Guidelines, 2015. Collection method: clinical testing. Allele origin: germline. Observed: 1 variant allele.
Comment: BP4_moderate

Ambry Genetics
Classification: Likely benign for Cardiovascular phenotype. Last evaluated: 2024-12-12. Review status: criteria provided, single submitter. Criteria: Ambry Variant Classification Scheme 2023. Collection method: clinical testing. Allele origin: germline.

Blueprint Genetics
Classification: Likely benign. Last evaluated: 2022-10-05. Review status: criteria provided, single submitter. Criteria: ACMG Guidelines, 2015. Collection method: clinical testing. Allele origin: germline.

Labcorp Genetics (formerly Invitae), Labcorp
Classification: Uncertain significance. Last evaluated: 2022-07-19. Review status: criteria provided, single submitter. Criteria: Invitae Variant Classification Sherloc (09022015). Collection method: clinical testing. Allele origin: germline.
Comment: This sequence change replaces glutamic acid, which is acidic and polar, with aspartic acid, which is acidic and polar, at codon 62 of the ZNF469 protein (p.Glu62Asp). This variant is present in population databases (rs770775791, gnomAD 0.005%). This variant has not been reported in the literature in individuals affected with ZNF469-related conditions. ClinVar contains an entry for this variant (Variation ID: 449809). Algorithms developed to predict the effect of missense changes on protein structure and function output the following: SIFT: "Tolerated"; PolyPhen-2: "Benign"; Align-GVGD: "Class C0". The aspartic acid amino acid residue is found in multiple mammalian species, which suggests that this missense change does not adversely affect protein function. In summary, the available evidence is currently insufficient to determine the role of this variant in disease. Therefore, it has been classified as a Variant of Uncertain Significance.

GeneDx
Classification: Uncertain significance. Last evaluated: 2017-10-31. Review status: criteria provided, single submitter. Criteria: GeneDx Variant Classification (06012015). Collection method: clinical testing. Allele origin: germline. Affected: yes.
Comment: A variant of uncertain significance has been identified in the ZNF469 gene. The E62D variant has not been published as pathogenic or been reported as benign to our knowledge. This variant is not observed at a significant frequency in large population cohorts (Lek et al., 2016). However, the E62D variant is a conservative amino acid substitution, which is not likely to impact secondary protein structure as these residues share similar properties. This substitution occurs at a position that is not conserved across species, and aspartic acid (D) is the wild-type amino acid at this position in at least one species. Furthermore, in silico analysis predicts this variant likely does not alter the protein structure/function.

NM_001367624.2(ZNF469):c.186G>T (p.Glu62Asp)

Gene: ZNF469 (zinc finger protein 469; plus strand). Cytogenetic location: 16q24.2.
Variant type: single nucleotide variant.
Coding change: c.186G>T on transcript NM_001367624.2 (MANE Select); coding-DNA position 186, G replaced by T.
Protein change: p.Glu62Asp; replaces glutamic acid 62 with aspartic acid.
Molecular consequence: missense variant.
Genome position (GRCh38, 1-based): chr16:88,427,656, G>T. VCF-style: chr16-88427656-G-T. GRCh37 (hg19) VCF-style: chr16-88494064-G-T.
Other names: NM_001127464.1:c.186G>T; p.Glu62Asp; NM_001127464.2:c.186G>T; short protein forms E62D.
Identifiers: ClinVar variation 449809 (VCV000449809.8), dbSNP rs770775791, ClinGen allele CA8224573.